The following is an entry in ClinVar:

NM_024411.5(PDYN):c.566T>G (p.Val189Gly)

Genes: PDYN (prodynorphin; minus strand), PDYN-AS1 (PDYN antisense RNA 1; plus strand). Cytogenetic location: 20p13.
Variant type: single nucleotide variant.
Coding change: c.566T>G on transcript NM_024411.5 (MANE Select); coding-DNA position 566, T replaced by G.
Protein change: p.Val189Gly; replaces valine 189 with glycine.
Molecular consequence: missense variant.
Genome position (GRCh38, 1-based): chr20:1,980,522, A>C on the plus strand (T>G on the coding strand, the complement: PDYN is on the minus strand). VCF-style: chr20-1980522-A-C. GRCh37 (hg19) VCF-style: chr20-1961168-A-C.
Other names: c.566T>G, p.Val189Gly (NM_001190892.1, NM_001190898.3, NM_001190899.2 and 1 more transcripts); short protein forms V189G.
Identifiers: ClinVar variation 2993206 (VCV002993206.3), dbSNP rs773424079, ClinGen allele CA9730273.
Genomic context (GRCh38, chr20:1,980,522, plus strand): 5'-CCCCCATAGCGTTTGTACAGGTCCTCATGGCCCATGCTATCCCCGTCCCCCTCCCCAGCC[A>C]CCTCTGAGCTCCTCTTGGGGTATTTGCGCAAAAAGCCCCCATAGCGTTTGACCTGCTCCT-3'
Protein context (NP_077722.1, residues 179-199): LRKYPKRSSE[Val189Gly]AGEGDGDSMG

ClinVar aggregate classification (germline): Uncertain significance (1 of 4 stars; one submission).

Allele frequency attached by ClinVar (database versions not stated): gnomAD exomes below 0.00001; ExAC 0.00001.
gnomAD v4.1: 7 of 1,612,118 alleles (0.00043%); highest among the groups gnomAD compares: African/African-American, 0.0094%; no homozygotes.

Submission:

Labcorp Genetics (formerly Invitae), Labcorp
Classification: Uncertain significance. Last evaluated: 2022-11-10. Review status: criteria provided, single submitter. Criteria: Invitae Variant Classification Sherloc (09022015). Collection method: clinical testing. Allele origin: germline.
Comment: In summary, the available evidence is currently insufficient to determine the role of this variant in disease. Therefore, it has been classified as a Variant of Uncertain Significance. Advanced modeling of protein sequence and biophysical properties (such as structural, functional, and spatial information, amino acid conservation, physicochemical variation, residue mobility, and thermodynamic stability) performed at Invitae indicates that this missense variant is not expected to disrupt PDYN protein function. This variant has not been reported in the literature in individuals affected with PDYN-related conditions. This variant is present in population databases (rs773424079, gnomAD 0.01%). This sequence change replaces valine, which is neutral and non-polar, with glycine, which is neutral and non-polar, at codon 189 of the PDYN protein (p.Val189Gly).